The following is an entry in ClinVar:

NM_001103.4(ACTN2):c.2191A>G (p.Ile731Val)

Gene: ACTN2 (actinin alpha 2; plus strand). Cytogenetic location: 1q43.
Variant type: single nucleotide variant.
Coding change: c.2191A>G on transcript NM_001103.4 (MANE Select); coding-DNA position 2191, A replaced by G.
Protein change: p.Ile731Val; replaces isoleucine 731 with valine.
Molecular consequence: missense variant. On other transcripts: non-coding transcript variant (1).
Genome position (GRCh38, 1-based): chr1:236,757,522, A>G. VCF-style: chr1-236757522-A-G. GRCh37 (hg19) VCF-style: chr1-236920822-A-G.
Other names: c.2191A>G, p.Ile731Val (NM_001278343.2); c.2191A>G (NM_001103.3); short protein forms I731V.
Identifiers: ClinVar variation 3371038 (VCV003371038.2).
Genomic context (GRCh38, chr1:236,757,522, plus strand): 5'-ATCTTTCCCCTTTTCCCTCAATAGCACATTCGTGTTGGATGGGAGCTGCTGCTGACAACC[A>G]TCGCCAGAACCATCAATGAGGTGGAGACTCAGATCCTGACGAGAGATGCGAAGGGCATCA-3'
Protein context (NP_001094.1, residues 721-741): RVGWELLLTT[Ile731Val]ARTINEVETQ

ClinVar aggregate classification (germline): Uncertain significance. Review status: criteria provided, multiple submitters, no conflicts (2 of 4 stars). 2 submissions from 2 submitters: Uncertain significance (2). Last evaluated 2025-04-09.

Conditions:
Cardiovascular phenotype. Identifiers: MedGen CN230736.

gnomAD v4.1: 1 of 1,614,168 alleles (0.000062%); no homozygotes.

Submissions (2):

Molecular Diagnostic Laboratory for Inherited Cardiovascular Disease, Montreal Heart Institute
Classification: Uncertain significance for Cardiovascular phenotype. Last evaluated: 2025-04-09. Review status: criteria provided, single submitter. Criteria: ACMG Guidelines, 2015. Collection method: clinical testing. Allele origin: germline. Affected: yes.
Comment: PM2;BP4

GeneDx
Classification: Uncertain significance. Last evaluated: 2024-03-17. Review status: criteria provided, single submitter. Criteria: GeneDx Variant Classification Process June 2021. Collection method: clinical testing. Allele origin: germline. Affected: yes.
Comment: Has not been previously published as pathogenic or benign to our knowledge; Not observed at significant frequency in large population cohorts (gnomAD); In silico analysis supports that this missense variant does not alter protein structure/function